The following is an entry in ClinVar:

ClinVar aggregate classification (germline): Uncertain significance (0 of 4 stars; one submission).

Conditions:
SCN4A-related disorder. Also called: SCN4A-related disorders.

gnomAD v4.1: 13 of 1,613,822 alleles (0.00081%); highest among the groups gnomAD compares: Non-Finnish European, 0.0011%; no homozygotes.

Submission:

PreventionGenetics, part of Exact Sciences
Classification: Uncertain significance for SCN4A-related condition. Last evaluated: 2024-08-08. Review status: no assertion criteria provided. Collection method: clinical testing. Allele origin: germline.
Comment: The SCN4A c.5045C>A variant is predicted to result in the amino acid substitution p.Ala1682Asp. To our knowledge, this variant has not been reported in the literature. This variant is reported in 0.00088% of alleles in individuals of European (non-Finnish) descent in gnomAD. At this time, the clinical significance of this variant is uncertain due to the absence of conclusive functional and genetic evidence.

NM_000334.4(SCN4A):c.5045C>A (p.Ala1682Asp)

Genes: GH-LCR (growth hormone locus control region; plus strand), SCN4A (sodium voltage-gated channel alpha subunit 4; minus strand). Cytogenetic location: 17q23.3.
Variant type: single nucleotide variant.
Coding change: c.5045C>A on transcript NM_000334.4 (MANE Select); coding-DNA position 5045, C replaced by A.
Protein change: p.Ala1682Asp; replaces alanine 1682 with aspartic acid.
Molecular consequence: missense variant.
Genome position (GRCh38, 1-based): chr17:63,941,237, G>T on the plus strand (C>A on the coding strand, the complement: SCN4A is on the minus strand). VCF-style: chr17-63941237-G-T. GRCh37 (hg19) VCF-style: chr17-62018597-G-T.
Other names: short protein forms A1682D.
Identifiers: ClinVar variation 3344202 (VCV003344202.1).